The following is an entry in ClinVar:

NM_021023.6(CFHR3):c.934A>T (p.Ile312Phe)

Gene: CFHR3 (complement factor H related 3; plus strand). Cytogenetic location: 1q31.3.
Variant type: single nucleotide variant.
Coding change: c.934A>T on transcript NM_021023.6 (MANE Select); coding-DNA position 934, A replaced by T.
Protein change: p.Ile312Phe; replaces isoleucine 312 with phenylalanine.
Molecular consequence: missense variant.
Genome position (GRCh38, 1-based): chr1:196,793,454, A>T. VCF-style: chr1-196793454-A-T. GRCh37 (hg19) VCF-style: chr1-196762584-A-T.
Other names: p.Ile312Phe; c.751A>T, p.Ile251Phe (NM_001166624.2); short protein forms I251F, I312F.
Identifiers: ClinVar variation 775634 (VCV000775634.7), dbSNP rs73073594, ClinGen allele CA1306325.

ClinVar aggregate classification (germline): Benign/Likely benign. Review status: criteria provided, multiple submitters, no conflicts (2 of 4 stars). 4 submissions from 4 submitters: Benign (3); Likely benign (1). Last evaluated 2023-02-06.

Conditions:
Age related macular degeneration 1 (ARMD1). Also called: MACULOPATHY, AGE-RELATED, 1. Identifiers: MedGen C1864205, MONDO:0011285, OMIM 603075.
Hemolytic uremic syndrome, atypical, susceptibility to, 1. Also called: AHUS, SUSCEPTIBILITY TO, 1. Identifiers: Orphanet 2134, Orphanet 90038, MedGen C2749604, MONDO:0009335, OMIM 235400. Disease mechanism: Other.

Allele frequency attached by ClinVar (database versions not stated): ESP Exome Variant Server 0.01339; 1000 Genomes Project 30x 0.01827; 1000 Genomes Project 0.01378.
gnomAD v4.1: 2,943 of 1,527,060 alleles (0.19%); highest among the groups gnomAD compares: African/African-American, 4%; 779 homozygotes.

Submissions (4):

Mayo Clinic Laboratories, Mayo Clinic
Classification: Benign. Last evaluated: 2023-02-06. Review status: criteria provided, single submitter. Criteria: ACMG Guidelines, 2015. Collection method: clinical testing. Allele origin: germline. Observed: 67 variant alleles.
Comment: BA1, BP4

Fulgent Genetics
Classification: Likely benign for Hemolytic uremic syndrome, atypical, susceptibility to, 1; Age related macular degeneration 1. Last evaluated: 2022-04-06. Review status: criteria provided, single submitter. Criteria: ACMG Guidelines, 2015. Collection method: clinical testing. Allele origin: unknown.

Labcorp Genetics (formerly Invitae), Labcorp
Classification: Benign. Last evaluated: 2019-12-31. Review status: criteria provided, single submitter. Criteria: Invitae Variant Classification Sherloc (09022015). Collection method: clinical testing. Allele origin: germline.

Breakthrough Genomics
Classification: Benign. Review status: criteria provided, single submitter. Criteria: ACMG Guidelines, 2015. Collection method: not provided. Allele origin: germline. Inheritance: Autosomal recessive inheritance. Affected: yes.

Literature cited by the submitters: PubMed 32890900 (cited by Mayo Clinic Laboratories, Mayo Clinic).